The following is an entry in ClinVar:

ClinVar aggregate classification (germline): Uncertain significance (1 of 4 stars; one submission).

Allele frequency attached by ClinVar (database versions not stated): ExAC 0.00001.
gnomAD v4.1: 1 of 1,613,612 alleles (0.000062%); highest among the groups gnomAD compares: Non-Finnish European, 0.000085%; no homozygotes.

Submission:

Ambry Genetics
Classification: Uncertain significance. Last evaluated: 2023-05-04. Review status: criteria provided, single submitter. Criteria: Ambry Variant Classification Scheme 2023. Collection method: clinical testing. Allele origin: germline.
Comment: The p.N28K variant (also known as c.84C>A), located in coding exon 2 of the RPS20 gene, results from a C to A substitution at nucleotide position 84. The asparagine at codon 28 is replaced by lysine, an amino acid with similar properties. This amino acid position is conserved. In addition, this alteration is predicted to be tolerated by in silico analysis. Since supporting evidence is limited at this time, the clinical significance of this alteration remains unclear.

NM_001023.4(RPS20):c.84C>A (p.Asn28Lys)

Gene: RPS20 (ribosomal protein S20; minus strand). Cytogenetic location: 8q12.1.
Variant type: single nucleotide variant.
Coding change: c.84C>A on transcript NM_001023.4 (MANE Select); coding-DNA position 84, C replaced by A.
Protein change: p.Asn28Lys; replaces asparagine 28 with lysine.
Molecular consequence: missense variant.
Genome position (GRCh38, 1-based): chr8:56,074,079, G>T on the plus strand (C>A on the coding strand, the complement: RPS20 is on the minus strand). VCF-style: chr8-56074079-G-T. GRCh37 (hg19) VCF-style: chr8-56986638-G-T.
Other names: c.84C>A, p.Asn28Lys (NM_001146227.3); short protein forms N28K.
Identifiers: ClinVar variation 2561548 (VCV002561548.2), dbSNP rs759875167, ClinGen allele CA4754453.